The following is an entry in ClinVar:

ClinVar aggregate classification (germline): Uncertain significance (0 of 4 stars; one submission).

Conditions:
RPGRIP1L-related disorder. Also called: RPGRIP1L-related condition; RPGRIP1L-related disorders. Identifiers: MedGen CN239416.

Submission:

PreventionGenetics, part of Exact Sciences
Classification: Uncertain significance for RPGRIP1L-related condition. Last evaluated: 2023-11-27. Review status: no assertion criteria provided. Collection method: clinical testing. Allele origin: germline.
Comment: The RPGRIP1L c.283C>G variant is predicted to result in the amino acid substitution p.Leu95Val. To our knowledge, this variant has not been reported in the literature or in a large population database, indicating this variant is rare. At this time, the clinical significance of this variant is uncertain due to the absence of conclusive functional and genetic evidence.

NM_015272.5(RPGRIP1L):c.230+745C>G

Gene: RPGRIP1L (RPGRIP1 like; minus strand). Cytogenetic location: 16q12.2.
Variant type: single nucleotide variant.
Coding change: c.230+745C>G on transcript NM_015272.5 (MANE Select); 745 bases into the intron after coding-DNA position 230, C replaced by G.
Molecular consequence: intron variant. On other transcripts: missense variant (1).
Genome position (GRCh38, 1-based): chr16:53,695,406, G>C on the plus strand (C>G on the coding strand, the complement: RPGRIP1L is on the minus strand). VCF-style: chr16-53695406-G-C. GRCh37 (hg19) VCF-style: chr16-53729318-G-C.
Other names: c.283C>G, p.Leu95Val (NM_001328422.2); c.230+745C>G (NM_001127897.4, NM_001330538.2, NM_001308334.3); short protein forms L95V.
Identifiers: ClinVar variation 3348651 (VCV003348651.1).